The following is an entry in ClinVar:

NM_000887.5(ITGAX):c.2616C>A (p.Gly872=)

Gene: ITGAX (integrin subunit alpha X; plus strand). Cytogenetic location: 16p11.2.
Variant type: single nucleotide variant.
Coding change: c.2616C>A on transcript NM_000887.5 (MANE Select); coding-DNA position 2616, C replaced by A.
Protein change: p.Gly872=; no amino-acid change (glycine 872 retained).
Molecular consequence: synonymous variant.
Genome position (GRCh38, 1-based): chr16:31,376,906, C>A. VCF-style: chr16-31376906-C-A. GRCh37 (hg19) VCF-style: chr16-31388227-C-A.
Other names: c.2616C>A, p.Gly872= (NM_001286375.2).
Identifiers: ClinVar variation 2646478 (VCV002646478.24), dbSNP rs140697269, ClinGen allele CA8027304.

ClinVar aggregate classification (germline): Likely benign (1 of 4 stars; one submission).

Allele frequency attached by ClinVar (database versions not stated): 1000 Genomes Project 0.00040; ESP Exome Variant Server 0.00046; 1000 Genomes Project 30x 0.00047.
gnomAD v4.1: 972 of 1,614,208 alleles (0.06%); highest among the groups gnomAD compares: Admixed American, 0.11%; no homozygotes.

Submission:

CeGaT Center for Human Genetics Tuebingen
Classification: Likely benign. Last evaluated: 2023-05-01. Review status: criteria provided, single submitter. Criteria: CeGaT Center For Human Genetics Tuebingen Variant Classification Criteria Version 2. Collection method: clinical testing. Allele origin: germline. Affected: yes. Observed: 1 variant allele.
Comment: ITGAX: BP4, BP7